The following is an entry in ClinVar:

NM_198578.4(LRRK2):c.5457T>C (p.Gly1819=)

Gene: LRRK2 (leucine rich repeat kinase 2; plus strand). Cytogenetic location: 12q12.
Variant type: single nucleotide variant.
Coding change: c.5457T>C on transcript NM_198578.4 (MANE Select); coding-DNA position 5457, T replaced by C.
Protein change: p.Gly1819=; no amino-acid change (glycine 1819 retained).
Molecular consequence: synonymous variant.
Genome position (GRCh38, 1-based): chr12:40,322,458, T>C. VCF-style: chr12-40322458-T-C. GRCh37 (hg19) VCF-style: chr12-40716260-T-C.
Other names: p.Gly1819=.
Identifiers: ClinVar variation 39209 (VCV000039209.27), dbSNP rs10878371, ClinGen allele CA343628.

ClinVar aggregate classification (germline): Benign. Review status: criteria provided, multiple submitters, no conflicts (2 of 4 stars). 11 submissions from 11 submitters: Benign (6). 5 of the submissions do not count toward it. Last evaluated 2026-02-04.

Conditions:
Autosomal dominant Parkinson disease 8. Also called: LRRK2-Related Parkinson Disease; Parkinson disease 8; Parkinson disease 8, susceptibility to. Identifiers: Orphanet 411602, MedGen C1846862, MONDO:0011764, OMIM 607060.

Allele frequency attached by ClinVar (database versions not stated): ESP Exome Variant Server 0.55344; gnomAD exomes 0.55646 and 0.57680; gnomAD 0.56374 and 0.56715; TOPMed 0.57018; ExAC 0.57331; 1000 Genomes Project 30x 0.58214; 1000 Genomes Project 0.58526.
gnomAD v4.1: 899,017 of 1,612,358 alleles (56%); highest among the groups gnomAD compares: South Asian, 69%; 252,740 homozygotes.

Submissions (11):

Labcorp Genetics (formerly Invitae), Labcorp
Classification: Benign for Autosomal dominant Parkinson disease 8. Last evaluated: 2026-02-04. Review status: criteria provided, single submitter. Criteria: Invitae Variant Classification Sherloc (09022015). Collection method: clinical testing. Allele origin: germline.

Blueprint Genetics
Classification: Benign. Last evaluated: 2024-11-27. Review status: criteria provided, single submitter. Criteria: ACMG Guidelines, 2015. Collection method: clinical testing. Allele origin: germline.

Mayo Clinic Laboratories, Mayo Clinic
Classification: Benign. Last evaluated: 2022-03-24. Review status: criteria provided, single submitter. Criteria: ACMG Guidelines, 2015. Collection method: clinical testing. Allele origin: germline. Observed: 521 variant alleles.

GeneDx
Classification: Benign. Last evaluated: 2018-07-05. Review status: criteria provided, single submitter. Criteria: GeneDx Variant Classification Process June 2021. Collection method: clinical testing. Allele origin: germline. Affected: yes.

Illumina Laboratory Services, Illumina
Classification: Benign for Autosomal dominant Parkinson disease 8. Last evaluated: 2018-01-12. Review status: criteria provided, single submitter. Criteria: ICSL Variant Classification Criteria 13 December 2019. Collection method: clinical testing. Allele origin: germline.
Comment: This variant was observed in the ICSL laboratory as part of a predisposition screen in an ostensibly healthy population. It had not been previously curated by ICSL or reported in the Human Gene Mutation Database (HGMD: prior to June 1st, 2018), and was therefore a candidate for classification through an automated scoring system. Utilizing variant allele frequency, disease prevalence and penetrance estimates, and inheritance mode, an automated score was calculated to assess if this variant is too frequent to cause the disease. Based on the score and internal cut-off values, a variant classified as benign is not then subjected to further curation. The score for this variant resulted in a classification of benign for this disease.

Breakthrough Genomics
Classification: Benign. Review status: criteria provided, single submitter. Criteria: ACMG Guidelines, 2015. Collection method: not provided. Allele origin: germline. Inheritance: Autosomal dominant inheritance. Affected: yes.

Clinical Genetics DNA and cytogenetics Diagnostics Lab, Erasmus MC, Erasmus Medical Center
Classification: Benign. Review status: no assertion criteria provided. Collection method: clinical testing. Allele origin: germline. Affected: yes. Study: VKGL Data-share Consensus. Not counted in ClinVar's aggregate classification.

Diagnostic Laboratory, Department of Genetics, University Medical Center Groningen
Classification: Benign. Review status: no assertion criteria provided. Collection method: clinical testing. Allele origin: germline. Affected: yes. Study: VKGL Data-share Consensus. Not counted in ClinVar's aggregate classification.

GeneReviews
No classification provided. Condition: Autosomal dominant Parkinson disease 8. Review status: no classification provided. Collection method: literature only. Allele origin: unknown. Not counted in ClinVar's aggregate classification.

Genome Diagnostics Laboratory, Amsterdam University Medical Center
Classification: Benign. Review status: no assertion criteria provided. Collection method: clinical testing. Allele origin: germline. Affected: yes. Study: VKGL Data-share Consensus. Not counted in ClinVar's aggregate classification.

Joint Genome Diagnostic Labs from Nijmegen and Maastricht, Radboudumc and MUMC+
Classification: Benign. Review status: no assertion criteria provided. Collection method: clinical testing. Allele origin: germline. Affected: yes. Study: VKGL Data-share Consensus. Not counted in ClinVar's aggregate classification.

Literature cited by the submitters: PubMed 20301387 (cited by GeneReviews); NCBI Bookshelf NBK1208 (cited by GeneReviews).